The following is an entry in ClinVar:

ClinVar aggregate classification (germline): Likely pathogenic (1 of 4 stars; one submission).

Conditions:
Congenital lactase deficiency. Also called: ALACTASIA, CONGENITAL; DISACCHARIDE INTOLERANCE II. Identifiers: Orphanet 53690, MedGen C0268179, MONDO:0009115, OMIM 223000.

Submission:

First Genomix Gene Laboratory, Genetic Diagnostics Department
Classification: Likely pathogenic for Congenital lactase deficiency. Last evaluated: 2025-09-01. Review status: criteria provided, single submitter. Criteria: ACMG Guidelines, 2015. Collection method: clinical testing. Allele origin: germline. Inheritance: Autosomal recessive inheritance. Affected: no. Observed: 1 variant allele.

NM_002299.4(LCT):c.16dup (p.His6fs)

Gene: LCT (lactase; minus strand). Cytogenetic location: 2q21.3.
Variant type: Duplication.
Coding change: c.16dup on transcript NM_002299.4 (MANE Select); coding-DNA position 16, one base duplicated (C; older notation c.16dupC).
Protein change: p.His6fs; shifts the reading frame from histidine 6.
Molecular consequence: frameshift variant.
Genome position (GRCh38, 1-based): chr2:135,837,154, G duplicated on the plus strand (C on the coding strand, the reverse complement: LCT is on the minus strand). VCF-style (leftmost placement, unchanged base first): chr2-135837153-T-TG. GRCh37 (hg19) VCF-style: chr2-136594723-T-TG.
Other names: c.16dupC (NM_002299.4); short protein forms H6fs.
Identifiers: ClinVar variation 4850239 (VCV004850239.1).